The following is an entry in ClinVar:

NM_001165963.4(SCN1A):c.2309T>C (p.Val770Ala)

Gene: SCN1A (sodium voltage-gated channel alpha subunit 1; minus strand). Cytogenetic location: 2q24.3.
Variant type: single nucleotide variant.
Coding change: c.2309T>C on transcript NM_001165963.4 (MANE Select); coding-DNA position 2309, T replaced by C.
Protein change: p.Val770Ala; replaces valine 770 with alanine.
Molecular consequence: missense variant. On other transcripts: 5 prime UTR variant (1), non-coding transcript variant (1).
Genome position (GRCh38, 1-based): chr2:166,041,337, A>G on the plus strand (T>C on the coding strand, the complement: SCN1A is on the minus strand). VCF-style: chr2-166041337-A-G. GRCh37 (hg19) VCF-style: chr2-166897847-A-G.
Other names: c.2225T>C, p.Val742Ala (NM_001165964.3, NM_001353957.2, NM_001353958.2); c.2309T>C, p.Val770Ala (NM_001202435.3, NM_001353948.2); c.2276T>C, p.Val759Ala (NM_001353949.2, NM_001353950.2, NM_001353951.2 and 2 more transcripts); c.2273T>C, p.Val758Ala (NM_001353954.2, NM_001353955.2); c.2222T>C, p.Val741Ala (NM_001353960.2); c.-150T>C (NM_001353961.2); short protein forms V758A, V742A, V770A, V741A, V759A.
Identifiers: ClinVar variation 4722222 (VCV004722222.1).

ClinVar aggregate classification (germline): Uncertain significance (1 of 4 stars; one submission).

Conditions:
Early-infantile DEE. Also called: Early infantile epileptic encephalopathy with suppression bursts; Early infantile epileptic encephalopathy; Ohtahara syndrome. Identifiers: Orphanet 1934, MedGen C0393706, MONDO:0800491.

gnomAD v4.1: 1 of 1,613,888 alleles (0.000062%); highest among the groups gnomAD compares: Non-Finnish European, 0.000085%; no homozygotes.

Submission:

Labcorp Genetics (formerly Invitae), Labcorp
Classification: Uncertain significance for Early-infantile DEE. Last evaluated: 2025-12-13. Review status: criteria provided, single submitter. Criteria: Invitae Variant Classification Sherloc (09022015). Collection method: clinical testing. Allele origin: germline.
Comment: This sequence change replaces valine, which is neutral and non-polar, with alanine, which is neutral and non-polar, at codon 770 of the SCN1A protein (p.Val770Ala). This variant is not present in population databases (gnomAD no frequency). This variant has not been reported in the literature in individuals affected with SCN1A-related conditions. Invitae Evidence Modeling of protein sequence and biophysical properties (such as structural, functional, and spatial information, amino acid conservation, physicochemical variation, residue mobility, and thermodynamic stability) has been performed for this missense variant. However, the output from this modeling did not meet the statistical confidence thresholds required to predict the impact of this variant on SCN1A protein function. In summary, the available evidence is currently insufficient to determine the role of this variant in disease. Therefore, it has been classified as a Variant of Uncertain Significance.